The following is an entry in ClinVar:

NM_001370658.1(BTD):c.950del (p.Val317fs)

Gene: BTD (biotinidase; plus strand). Cytogenetic location: 3p25.1.
Variant type: Deletion.
Coding change: c.950del on transcript NM_001370658.1 (MANE Select); coding-DNA position 950, one base deleted (T; older notation c.950delT).
Protein change: p.Val317fs; shifts the reading frame from valine 317.
Molecular consequence: frameshift variant. On other transcripts: intron variant (1).
Genome position (GRCh38, 1-based): chr3:15,644,866, T deleted. VCF-style (leftmost placement, unchanged base first): chr3-15644865-GT-G. GRCh37 (hg19) VCF-style: chr3-15686372-GT-G.
Other names: c.950delT, p.Val317Glyfs (NM_001323582.2, NM_001407364.1, NM_001407365.1 and 16 more transcripts); c.950del, p.Val317fs (NM_001370752.1, NM_001281724.3); c.1010delT, p.Val337Glyfs (NM_000060.4); c.399+2809del (NM_001370753.1); short protein forms V317fs.
Identifiers: ClinVar variation 1453530 (VCV001453530.11), dbSNP rs2125503248, ClinGen allele CA2573136197.
Genomic context (GRCh38, chr3:15,644,865, plus strand): 5'-CTGGAGTCCTTTTGGTACCATGACATGGAAAATCCCAAAAGTCACCTTATAATTGCCCAG[GT>G]GGCCAAAAATCCAGTGGGTCTCATTGGTGCAGAGAATGCAACAGGTGAAACGGACCCATC-3'

ClinVar aggregate classification (germline): Pathogenic. Review status: criteria provided, multiple submitters, no conflicts (2 of 4 stars). 2 submissions from 2 submitters: Pathogenic (2). Last evaluated 2021-03-12.

Conditions:
Biotinidase deficiency. Also called: BTD deficiency; Late-onset biotin-responsive multiple carboxylase deficiency; Biotin deficiency. Identifiers: Orphanet 79241, MedGen C0220754, MONDO:0009665, OMIM 253260.

Submissions (2):

Labcorp Genetics (formerly Invitae), Labcorp
Classification: Pathogenic for Biotinidase deficiency. Last evaluated: 2021-03-12. Review status: criteria provided, single submitter. Criteria: Invitae Variant Classification Sherloc (09022015). Collection method: clinical testing. Allele origin: germline.
Comment: This variant disrupts the C-terminus of the BTD protein. Other variant(s) that disrupt this region (p.Thr351Lysfs*12) have been determined to be pathogenic (PMID: 12359137, 15776412, 20083419). This suggests that variants that disrupt this region of the protein are likely to be causative of disease. For these reasons, this variant has been classified as Pathogenic. This sequence change creates a premature translational stop signal (p.Val337Glyfs*26) in the BTD gene. While this is not anticipated to result in nonsense mediated decay, it is expected to disrupt the last 207 amino acid(s) of the BTD protein. This variant is not present in population databases (ExAC no frequency). This variant has been observed in individual(s) with profound biotinidase deficiency (PMID: 22698809).

Juno Genomics, Hangzhou Juno Genomics, Inc
Classification: Pathogenic for Biotinidase deficiency. Review status: criteria provided, single submitter. Criteria: ACMG Guidelines, 2015. Collection method: clinical testing. Allele origin: germline.
Comment: Absent from controls (or at extremely low frequency if recessive) in Genome Aggregation Database.;Null variant in a gene where loss of function (LOF) is a known mechanism of disease.;For recessive disorders, detected in trans with a pathogenic variant.;Patient's phenotype or family history is highly specific for a disease with a single genetic etiology.

Literature cited by the submitters: PubMed 12359137 (cited by Labcorp Genetics (formerly Invitae), Labcorp); PubMed 15776412 (cited by Labcorp Genetics (formerly Invitae), Labcorp); PubMed 20083419 (cited by Labcorp Genetics (formerly Invitae), Labcorp); PubMed 22698809 (cited by Labcorp Genetics (formerly Invitae), Labcorp).